The following is an entry in ClinVar:

NM_018062.4(FANCL):c.754T>C (p.Phe252Leu)

Gene: FANCL (FA complementation group L; minus strand). Cytogenetic location: 2p16.1.
Variant type: single nucleotide variant.
Coding change: c.754T>C on transcript NM_018062.4 (MANE Select); coding-DNA position 754, T replaced by C.
Protein change: p.Phe252Leu; replaces phenylalanine 252 with leucine.
Molecular consequence: missense variant.
Genome position (GRCh38, 1-based): chr2:58,163,455, A>G on the plus strand (T>C on the coding strand, the complement: FANCL is on the minus strand). VCF-style: chr2-58163455-A-G. GRCh37 (hg19) VCF-style: chr2-58390590-A-G.
Other names: c.769T>C, p.Phe257Leu (NM_001114636.2); c.799T>C, p.Phe267Leu (NM_001374615.1); c.814T>C, p.Phe272Leu (NM_001410792.1); short protein forms F252L, F257L, F267L, F272L.
Identifiers: ClinVar variation 1386060 (VCV001386060.6), dbSNP rs780414432, ClinGen allele CA1670482.

ClinVar aggregate classification (germline): Uncertain significance (1 of 4 stars; one submission).

Conditions:
Fanconi anemia (FA). Also called: Fanconi's anemia. Identifiers: Orphanet 84, MedGen C0015625, MeSH D005199, MONDO:0019391.

Allele frequency attached by ClinVar (database versions not stated): ExAC 0.00001; gnomAD exomes below 0.00001.
gnomAD v4.1: 1 of 1,610,648 alleles (0.000062%); highest among the groups gnomAD compares: Non-Finnish European, 0.000085%; no homozygotes.

Submission:

Labcorp Genetics (formerly Invitae), Labcorp
Classification: Uncertain significance for Fanconi anemia. Last evaluated: 2021-04-24. Review status: criteria provided, single submitter. Criteria: Invitae Variant Classification Sherloc (09022015). Collection method: clinical testing. Allele origin: germline.
Comment: In summary, the available evidence is currently insufficient to determine the role of this variant in disease. Therefore, it has been classified as a Variant of Uncertain Significance. Experimental studies have shown that this variant affects FANCL protein function (PMID: 32420600). This variant has not been reported in the literature in individuals with FANCL-related conditions. This variant is present in population databases (rs780414432, ExAC 0.002%). This sequence change replaces phenylalanine with leucine at codon 252 of the FANCL protein (p.Phe252Leu). The phenylalanine residue is weakly conserved and there is a small physicochemical difference between phenylalanine and leucine.

Literature cited by the submitters: PubMed 32420600.